The following is an entry in ClinVar:

NM_017686.4(GDAP2):c.343A>G (p.Thr115Ala)

Gene: GDAP2 (ganglioside induced differentiation associated protein 2; minus strand). Cytogenetic location: 1p12.
Variant type: single nucleotide variant.
Coding change: c.343A>G on transcript NM_017686.4 (MANE Select); coding-DNA position 343, A replaced by G.
Protein change: p.Thr115Ala; replaces threonine 115 with alanine.
Molecular consequence: missense variant.
Genome position (GRCh38, 1-based): chr1:117,912,657, T>C on the plus strand (A>G on the coding strand, the complement: GDAP2 is on the minus strand). VCF-style: chr1-117912657-T-C. GRCh37 (hg19) VCF-style: chr1-118455279-T-C.
Other names: c.343A>G, p.Thr115Ala (NM_001135589.3); short protein forms T115A.
Identifiers: ClinVar variation 1050554 (VCV001050554.1), dbSNP rs1649900652, ClinGen allele CA341397927.

ClinVar aggregate classification (germline): Uncertain significance (0 of 4 stars; one submission).

Allele frequency attached by ClinVar (database versions not stated): gnomAD exomes below 0.00001.

Submission:

Department of Pathology and Laboratory Medicine, Sinai Health System
Classification: Uncertain significance. Review status: no assertion criteria provided. Collection method: clinical testing. Allele origin: unknown. Affected: yes. Study: The Canadian Open Genetics Repository (COGR).
Comment: The GDAP2 p.Thr115Ala variant was not identified in the literature nor was it identified in dbSNP, ClinVar or in the following control databases: the 1000 Genomes Project, the NHLBI GO Exome Sequencing Project, or the Genome Aggregation Database (March 6, 2019, v2.1.1). The p.Thr115 residue is conserved in mammals and computational analyses (PolyPhen-2, SIFT, AlignGVGD, BLOSUM, MutationTaster) provide inconsistent predictions regarding the impact to the protein; this information is not very predictive of pathogenicity. The variant occurs outside of the splicing consensus sequence and in silico or computational prediction software programs (SpliceSiteFinder, MaxEntScan, NNSPLICE, GeneSplicer) do not predict a difference in splicing. In summary, based on the above information the clinical significance of this variant cannot be determined with certainty at this time. This variant is classified as a variant of uncertain significance.